The following is an entry in ClinVar:

NM_022168.4(IFIH1):c.2427C>T (p.Leu809=)

Gene: IFIH1 (interferon induced with helicase C domain 1; minus strand). Cytogenetic location: 2q24.2.
Variant type: single nucleotide variant.
Coding change: c.2427C>T on transcript NM_022168.4 (MANE Select); coding-DNA position 2427, C replaced by T.
Protein change: p.Leu809=; no amino-acid change (leucine 809 retained).
Molecular consequence: synonymous variant.
Genome position (GRCh38, 1-based): chr2:162,273,822, G>A on the plus strand (C>T on the coding strand, the complement: IFIH1 is on the minus strand). VCF-style: chr2-162273822-G-A. GRCh37 (hg19) VCF-style: chr2-163130332-G-A.
Identifiers: ClinVar variation 709996 (VCV000709996.21), dbSNP rs74162086, ClinGen allele CA1934197.

ClinVar aggregate classification (germline): Benign/Likely benign. Review status: criteria provided, multiple submitters, no conflicts (2 of 4 stars). 4 submissions from 4 submitters: Benign (1); Likely benign (3). Last evaluated 2026-04-06.

Conditions:
Aicardi-Goutieres syndrome 7 (AGS7). Identifiers: Orphanet 51, MedGen C3888244, MONDO:0014367, OMIM 615846.
Singleton-Merten syndrome 1 (SGMRT1). Also called: Widened medullary cavities of bone, aortic calcification, abnormal dentition, and muscular weakness; Syndrome of widened medullary cavities of the metacarpals and phalanges, aortic calcification and abnormal dentition. Identifiers: Orphanet 85191, MedGen C4225427, MONDO:0024535, OMIM 182250.

Allele frequency attached by ClinVar (database versions not stated): TOPMed 0.00005.
gnomAD v4.1: 139 of 1,600,094 alleles (0.0087%); highest among the groups gnomAD compares: Admixed American, 0.01%; 1 homozygote.

Submissions (4):

Women's Health and Genetics/Laboratory Corporation of America, LabCorp
Classification: Benign. Last evaluated: 2026-04-06. Review status: criteria provided, single submitter. Criteria: LabCorp Variant Classification Summary - May 2015. Collection method: clinical testing. Allele origin: germline.

Labcorp Genetics (formerly Invitae), Labcorp
Classification: Likely benign for Aicardi-Goutieres syndrome 7; Singleton-Merten syndrome 1. Last evaluated: 2025-06-20. Review status: criteria provided, single submitter. Criteria: Invitae Variant Classification Sherloc (09022015). Collection method: clinical testing. Allele origin: germline.

CeGaT Center for Human Genetics Tuebingen
Classification: Likely benign. Last evaluated: 2025-05-01. Review status: criteria provided, single submitter. Criteria: CeGaT Center For Human Genetics Tuebingen Variant Classification Criteria Version 2. Collection method: clinical testing. Allele origin: germline. Affected: yes. Observed: 1 variant allele.
Comment: IFIH1: BP4, BP7

Blueprint Genetics
Classification: Likely benign. Last evaluated: 2024-06-18. Review status: criteria provided, single submitter. Criteria: ACMG Guidelines, 2015. Collection method: clinical testing. Allele origin: germline.